The following is an entry in ClinVar:

NM_001382430.1(AKT1):c.860A>G (p.His287Arg)

Gene: AKT1 (AKT serine/threonine kinase 1; minus strand). Cytogenetic location: 14q32.33.
Variant type: single nucleotide variant.
Coding change: c.860A>G on transcript NM_001382430.1 (MANE Select); coding-DNA position 860, A replaced by G.
Protein change: p.His287Arg; replaces histidine 287 with arginine.
Molecular consequence: missense variant.
Genome position (GRCh38, 1-based): chr14:104,773,348, T>C on the plus strand (A>G on the coding strand, the complement: AKT1 is on the minus strand). VCF-style: chr14-104773348-T-C. GRCh37 (hg19) VCF-style: chr14-105239685-T-C.
Other names: c.860A>G, p.His287Arg (NM_001014431.2, NM_001014432.2, NM_001382431.1 and 3 more transcripts); short protein forms H287R.
Identifiers: ClinVar variation 2453717 (VCV002453717.2), dbSNP rs2542126054, ClinGen allele CA391217963.

ClinVar aggregate classification (germline): Uncertain significance (1 of 4 stars; one submission).

Conditions:
Inborn genetic diseases. Identifiers: MedGen C0950123, MeSH D030342.

Submission:

Ambry Genetics
Classification: Uncertain significance for Inborn genetic diseases. Last evaluated: 2023-02-27. Review status: criteria provided, single submitter. Criteria: Ambry Variant Classification Scheme 2023. Collection method: clinical testing. Allele origin: germline.
Comment: The p.H287R variant (also known as c.860A>G), located in coding exon 9 of the AKT1 gene, results from an A to G substitution at nucleotide position 860. The histidine at codon 287 is replaced by arginine, an amino acid with highly similar properties. This amino acid position is conserved. In addition, the in silico prediction for this alteration is inconclusive. Since supporting evidence is limited at this time, the clinical significance of this alteration remains unclear.